The following is an entry in ClinVar:

NM_015189.3(EXOC6B):c.1937T>C (p.Ile646Thr)

Gene: EXOC6B (exocyst complex component 6B; minus strand). Cytogenetic location: 2p13.2.
Variant type: single nucleotide variant.
Coding change: c.1937T>C on transcript NM_015189.3 (MANE Select); coding-DNA position 1937, T replaced by C.
Protein change: p.Ile646Thr; replaces isoleucine 646 with threonine.
Molecular consequence: missense variant. On other transcripts: non-coding transcript variant (1).
Genome position (GRCh38, 1-based): chr2:72,465,203, A>G on the plus strand (T>C on the coding strand, the complement: EXOC6B is on the minus strand). VCF-style: chr2-72465203-A-G. GRCh37 (hg19) VCF-style: chr2-72692332-A-G.
Other names: c.1937T>C, p.Ile646Thr (NM_001321729.2, NM_001321731.2); c.1802T>C, p.Ile601Thr (NM_001321730.2, NM_001321733.2); c.1598T>C, p.Ile533Thr (NM_001321734.2); short protein forms I533T, I646T, I601T.
Identifiers: ClinVar variation 1962037 (VCV001962037.3), dbSNP rs980649983, ClinGen allele CA50064030.

ClinVar aggregate classification (germline): Uncertain significance (1 of 4 stars; one submission).

Allele frequency attached by ClinVar (database versions not stated): TOPMed below 0.00001; gnomAD 0.00001.
gnomAD v4.1: 5 of 1,612,220 alleles (0.00031%); highest among the groups gnomAD compares: African/African-American, 0.0013%; no homozygotes.

Submission:

Labcorp Genetics (formerly Invitae), Labcorp
Classification: Uncertain significance. Last evaluated: 2022-07-30. Review status: criteria provided, single submitter. Criteria: Invitae Variant Classification Sherloc (09022015). Collection method: clinical testing. Allele origin: germline.
Comment: In summary, the available evidence is currently insufficient to determine the role of this variant in disease. Therefore, it has been classified as a Variant of Uncertain Significance. Experimental studies and prediction algorithms are not available or were not evaluated, and the functional significance of this variant is currently unknown. This variant has not been reported in the literature in individuals affected with EXOC6B-related conditions. The frequency data for this variant in the population databases is considered unreliable, as metrics indicate poor data quality at this position in the gnomAD database. This sequence change replaces isoleucine, which is neutral and non-polar, with threonine, which is neutral and polar, at codon 646 of the EXOC6B protein (p.Ile646Thr).